The following is an entry in ClinVar:

ClinVar aggregate classification (germline): Likely benign (0 of 4 stars; one submission).

Conditions:
ATP2C2-related disorder. Also called: ATP2C2-related condition.

Allele frequency attached by ClinVar (database versions not stated): gnomAD exomes 0.00005; ExAC 0.00033; 1000 Genomes Project 0.00060; 1000 Genomes Project 30x 0.00062; ESP Exome Variant Server 0.00067; gnomAD 0.00070; TOPMed 0.00073.
gnomAD v4.1: 174 of 1,557,462 alleles (0.011%); highest among the groups gnomAD compares: African/African-American, 0.23%; 1 homozygote.

Submission:

PreventionGenetics, part of Exact Sciences
Classification: Likely benign for ATP2C2-related condition. Last evaluated: 2022-12-27. Review status: no assertion criteria provided. Collection method: clinical testing. Allele origin: germline.
Comment: This variant is classified as likely benign based on ACMG/AMP sequence variant interpretation guidelines (Richards et al. 2015 PMID: 25741868, with internal and published modifications).

NM_014861.4(ATP2C2):c.65A>G (p.Tyr22Cys)

Gene: ATP2C2 (ATPase secretory pathway Ca2+ transporting 2; plus strand). Cytogenetic location: 16q24.1.
Variant type: single nucleotide variant.
Coding change: c.65A>G on transcript NM_014861.4 (MANE Select); coding-DNA position 65, A replaced by G.
Protein change: p.Tyr22Cys; replaces tyrosine 22 with cysteine.
Molecular consequence: missense variant.
Genome position (GRCh38, 1-based): chr16:84,368,680, A>G. VCF-style: chr16-84368680-A-G. GRCh37 (hg19) VCF-style: chr16-84402286-A-G.
Other names: c.65A>G, p.Tyr22Cys (NM_001286527.3); short protein forms Y22C.
Identifiers: ClinVar variation 3047719 (VCV003047719.2), dbSNP rs200013593, ClinGen allele CA8206349.